The following is an entry in ClinVar:

ClinVar aggregate classification (germline): Uncertain significance (1 of 4 stars; one submission).

Conditions:
Brachyolmia-amelogenesis imperfecta syndrome. Also called: PLATYSPONDYLY WITH AMELOGENESIS IMPERFECTA; Tooth agenesis, selective, 6; Dental anomalies and short stature. Identifiers: Orphanet 2899, MedGen C1832594, MONDO:0011018, OMIM 601216. Disease mechanism: loss of function.

Allele frequency attached by ClinVar (database versions not stated): gnomAD exomes 0.00001.
gnomAD v4.1: 8 of 1,614,162 alleles (0.0005%); highest among the groups gnomAD compares: South Asian, 0.0088%; no homozygotes.

Submission:

Labcorp Genetics (formerly Invitae), Labcorp
Classification: Uncertain significance for Brachyolmia-amelogenesis imperfecta syndrome. Last evaluated: 2022-10-04. Review status: criteria provided, single submitter. Criteria: Invitae Variant Classification Sherloc (09022015). Collection method: clinical testing. Allele origin: germline.
Comment: This sequence change replaces leucine, which is neutral and non-polar, with phenylalanine, which is neutral and non-polar, at codon 851 of the LTBP3 protein (p.Leu851Phe). This variant is present in population databases (no rsID available, gnomAD 0.003%). This variant has not been reported in the literature in individuals affected with LTBP3-related conditions. Algorithms developed to predict the effect of missense changes on protein structure and function are either unavailable or do not agree on the potential impact of this missense change (SIFT: "Tolerated"; PolyPhen-2: "Possibly Damaging"; Align-GVGD: "Class C0"). In summary, the available evidence is currently insufficient to determine the role of this variant in disease. Therefore, it has been classified as a Variant of Uncertain Significance.

NM_001130144.3(LTBP3):c.2551C>T (p.Leu851Phe)

Gene: LTBP3 (latent transforming growth factor beta binding protein 3; minus strand). Cytogenetic location: 11q13.1.
Variant type: single nucleotide variant.
Coding change: c.2551C>T on transcript NM_001130144.3 (MANE Select); coding-DNA position 2551, C replaced by T.
Protein change: p.Leu851Phe; replaces leucine 851 with phenylalanine.
Molecular consequence: missense variant.
Genome position (GRCh38, 1-based): chr11:65,543,150, G>A on the plus strand (C>T on the coding strand, the complement: LTBP3 is on the minus strand). VCF-style: chr11-65543150-G-A. GRCh37 (hg19) VCF-style: chr11-65310621-G-A.
Other names: c.2200C>T, p.Leu734Phe (NM_001164266.1); c.2551C>T, p.Leu851Phe (NM_021070.4); short protein forms L851F, L734F.
Identifiers: ClinVar variation 1995901 (VCV001995901.4), dbSNP rs1253551881, ClinGen allele CA381269004.